The following is an entry in ClinVar:

ClinVar aggregate classification (germline): Uncertain significance (1 of 4 stars; one submission).

Conditions:
Peroxisome biogenesis disorder 2B (PBD2B). Identifiers: Orphanet 44, MedGen C3550234, MONDO:0008736, OMIM 202370.

Allele frequency attached by ClinVar (database versions not stated): ExAC 0.00002.
gnomAD v4.1: 4 of 1,614,208 alleles (0.00025%); highest among the groups gnomAD compares: South Asian, 0.0011%; no homozygotes.

Submission:

Labcorp Genetics (formerly Invitae), Labcorp
Classification: Uncertain significance for Peroxisome biogenesis disorder 2B. Last evaluated: 2022-05-07. Review status: criteria provided, single submitter. Criteria: Invitae Variant Classification Sherloc (09022015). Collection method: clinical testing. Allele origin: germline.
Comment: This sequence change replaces arginine, which is basic and polar, with tryptophan, which is neutral and slightly polar, at codon 573 of the PEX5 protein (p.Arg573Trp). This variant is present in population databases (rs768570130, gnomAD 0.003%). This variant has not been reported in the literature in individuals affected with PEX5-related conditions. Algorithms developed to predict the effect of missense changes on protein structure and function are either unavailable or do not agree on the potential impact of this missense change (SIFT: "Deleterious"; PolyPhen-2: "Possibly Damaging"; Align-GVGD: "Class C0"). In summary, the available evidence is currently insufficient to determine the role of this variant in disease. Therefore, it has been classified as a Variant of Uncertain Significance.

NM_001351132.2(PEX5):c.1717C>T (p.Arg573Trp)

Gene: PEX5 (peroxisomal biogenesis factor 5; plus strand). Cytogenetic location: 12p13.31.
Variant type: single nucleotide variant.
Coding change: c.1717C>T on transcript NM_001351132.2 (MANE Select); coding-DNA position 1717, C replaced by T.
Protein change: p.Arg573Trp; replaces arginine 573 with tryptophan.
Molecular consequence: missense variant.
Genome position (GRCh38, 1-based): chr12:7,209,839, C>T. VCF-style: chr12-7209839-C-T. GRCh37 (hg19) VCF-style: chr12-7362435-C-T.
Other names: c.1693C>T, p.Arg565Trp (NM_000319.5); c.1762C>T, p.Arg588Trp (NM_001131023.2); c.1606C>T, p.Arg536Trp (NM_001351124.3, NM_001351126.2, NM_001351127.2 and 7 more transcripts); c.1717C>T, p.Arg573Trp (NM_001351131.2, NM_001351133.2, NM_001351134.2 and 4 more transcripts); c.1651C>T, p.Arg551Trp (NM_001351135.3, NM_001351138.2); c.1708C>T, p.Arg570Trp (NM_001351136.2); c.1582C>T, p.Arg528Trp (NM_001351139.2, NM_001351140.2, NM_001374649.2); short protein forms R565W, R536W, R551W, R588W, R528W, R570W, R573W.
Identifiers: ClinVar variation 1982388 (VCV001982388.1), dbSNP rs768570130, ClinGen allele CA6426551.